The following is an entry in ClinVar:

ClinVar aggregate classification (germline): Uncertain significance (1 of 4 stars; one submission).

Submission:

Labcorp Genetics (formerly Invitae), Labcorp
Classification: Uncertain significance. Last evaluated: 2022-05-24. Review status: criteria provided, single submitter. Criteria: Invitae Variant Classification Sherloc (09022015). Collection method: clinical testing. Allele origin: germline.
Comment: In summary, the available evidence is currently insufficient to determine the role of this variant in disease. Therefore, it has been classified as a Variant of Uncertain Significance. Algorithms developed to predict the effect of missense changes on protein structure and function (SIFT, PolyPhen-2, Align-GVGD) all suggest that this variant is likely to be disruptive. This variant has not been reported in the literature in individuals affected with TBX20-related conditions. This variant is not present in population databases (gnomAD no frequency). This sequence change replaces proline, which is neutral and non-polar, with alanine, which is neutral and non-polar, at codon 187 of the TBX20 protein (p.Pro187Ala).

NM_001077653.2(TBX20):c.559C>G (p.Pro187Ala)

Gene: TBX20 (T-box transcription factor 20; minus strand). Cytogenetic location: 7p14.2.
Variant type: single nucleotide variant.
Coding change: c.559C>G on transcript NM_001077653.2 (MANE Select); coding-DNA position 559, C replaced by G.
Protein change: p.Pro187Ala; replaces proline 187 with alanine.
Molecular consequence: missense variant.
Genome position (GRCh38, 1-based): chr7:35,245,044, G>C on the plus strand (C>G on the coding strand, the complement: TBX20 is on the minus strand). VCF-style: chr7-35245044-G-C. GRCh37 (hg19) VCF-style: chr7-35284656-G-C.
Other names: c.559C>G, p.Pro187Ala (NM_001166220.1); short protein forms P187A.
Identifiers: ClinVar variation 1998167 (VCV001998167.4), dbSNP rs2128715277, ClinGen allele CA367264474.